The following is an entry in ClinVar:

NM_000090.4(COL3A1):c.91G>C (p.Gly31Arg)

Gene: COL3A1 (collagen type III alpha 1 chain; plus strand). Cytogenetic location: 2q32.2.
Variant type: single nucleotide variant.
Coding change: c.91G>C on transcript NM_000090.4 (MANE Select); coding-DNA position 91, G replaced by C.
Protein change: p.Gly31Arg; replaces glycine 31 with arginine.
Molecular consequence: missense variant.
Genome position (GRCh38, 1-based): chr2:188,984,771, G>C. VCF-style: chr2-188984771-G-C. GRCh37 (hg19) VCF-style: chr2-189849497-G-C.
Other names: short protein forms G31R.
Identifiers: ClinVar variation 529327 (VCV000529327.21), dbSNP rs374537884, ClinGen allele CA077075.

ClinVar aggregate classification (germline): Conflicting classifications of pathogenicity. Review status: criteria provided, conflicting classifications (1 of 4 stars). 5 submissions from 5 submitters: Uncertain significance (4); Likely benign (1). Last evaluated 2025-11-21.

Conditions:
Ehlers-Danlos syndrome, type 4 (EDSVASC). Also called: Ehlers-Danlos syndrome vascular type; Ehlers Danlos syndrome, ecchymotic type; Ehlers Danlos syndrome, arterial type; Ehlers Danlos syndrome, Sack-Barabas type; Ehlers-Danlos Syndrome Type IV. Identifiers: Orphanet 286, MedGen C0268338, MONDO:0017314, OMIM 130050.
Familial thoracic aortic aneurysm and aortic dissection (TAAD). Also called: Thoracic aortic aneurysms and dissections. Identifiers: Orphanet 91387, MedGen C4707243, MONDO:0019625.

Allele frequency attached by ClinVar (database versions not stated): gnomAD exomes 0.00004; TOPMed 0.00004; gnomAD 0.00005 and 0.00006; ExAC 0.00006; ESP Exome Variant Server 0.00008.
gnomAD v4.1: 36 of 1,612,886 alleles (0.0022%); highest among the groups gnomAD compares: Admixed American, 0.0033%; no homozygotes.

Submissions (5):

Labcorp Genetics (formerly Invitae), Labcorp
Classification: Uncertain significance for Ehlers-Danlos syndrome, type 4. Last evaluated: 2025-11-21. Review status: criteria provided, single submitter. Criteria: Invitae Variant Classification Sherloc (09022015). Collection method: clinical testing. Allele origin: germline.
Comment: This sequence change replaces glycine, which is neutral and non-polar, with arginine, which is basic and polar, at codon 31 of the COL3A1 protein (p.Gly31Arg). This variant is present in population databases (rs374537884, gnomAD 0.008%). This variant has not been reported in the literature in individuals affected with COL3A1-related conditions. ClinVar contains an entry for this variant (Variation ID: 529327). Invitae Evidence Modeling of protein sequence and biophysical properties (such as structural, functional, and spatial information, amino acid conservation, physicochemical variation, residue mobility, and thermodynamic stability) indicates that this missense variant is not expected to disrupt COL3A1 protein function with a negative predictive value of 95%. In summary, the available evidence is currently insufficient to determine the role of this variant in disease. Therefore, it has been classified as a Variant of Uncertain Significance.

Color Diagnostics, LLC DBA Color Health
Classification: Uncertain significance for Familial thoracic aortic aneurysm and aortic dissection. Last evaluated: 2025-09-09. Review status: criteria provided, single submitter. Criteria: ACMG Guidelines, 2015. Collection method: clinical testing. Allele origin: germline.
Comment: This missense variant replaces glycine with arginine at codon 31 of the COL3A1 protein. Computational prediction suggests that this variant may not impact protein structure and function. To our knowledge, functional studies have not been reported for this variant. This variant has not been reported in individuals affected with COL3A1-related disorders in the literature. This variant has been identified in 12/282286 chromosomes in the general population by the Genome Aggregation Database (gnomAD). The available evidence is insufficient to determine the role of this variant in disease conclusively. Therefore, this variant is classified as a Variant of Uncertain Significance.

Women's Health and Genetics/Laboratory Corporation of America, LabCorp
Classification: Uncertain significance. Last evaluated: 2025-02-21. Review status: criteria provided, single submitter. Criteria: LabCorp Variant Classification Summary - May 2015. Collection method: clinical testing. Allele origin: germline.
Comment: Variant summary: COL3A1 c.91G>C (p.Gly31Arg) results in a non-conservative amino acid change in the encoded protein sequence. Three of five in-silico tools predict a benign effect of the variant on protein function. The variant allele was found at a frequency of 4e-05 in 250900 control chromosomes. This frequency is not significantly higher than estimated for a pathogenic variant in COL3A1 causing Polymicrogyria with or without vascular-type Ehlers-Danlos syndrome, allowing no conclusion about variant significance. To our knowledge, no occurrence of c.91G>C in individuals affected with Polymicrogyria with or without vascular-type Ehlers-Danlos syndrome and no experimental evidence demonstrating its impact on protein function have been reported. ClinVar contains an entry for this variant (Variation ID: 529327). Based on the evidence outlined above, the variant was classified as uncertain significance.

All of Us Research Program, National Institutes of Health
Classification: Uncertain significance for Ehlers-Danlos syndrome, type 4. Last evaluated: 2024-09-23. Review status: criteria provided, single submitter. Criteria: ACMG Guidelines, 2015. Collection method: clinical testing. Allele origin: germline. Inheritance: Autosomal dominant inheritance. Observed: 8 variant alleles, 8 heterozygotes.
Comment: This missense variant replaces glycine with arginine at codon 31 of the COL3A1 protein. Computational prediction suggests that this variant may not impact protein structure and function (internally defined REVEL score threshold <= 0.5, PMID: 27666373). To our knowledge, functional studies have not been reported for this variant. This variant has not been reported in individuals affected with cardiovascular disorders in the literature. This variant has been identified in 12/282286 chromosomes in the general population by the Genome Aggregation Database (gnomAD). The available evidence is insufficient to determine the role of this variant in disease conclusively. Therefore, this variant is classified as a Variant of Uncertain Significance.

This study involves interpretation of variants in research participants for the purpose of population health screening. Participant phenotype was not available at the time of variant classification. Additional details can be found in publication PMID: 35346344, PMCID: PMC8962531

Ambry Genetics
Classification: Likely benign for Familial thoracic aortic aneurysm and aortic dissection. Last evaluated: 2024-03-28. Review status: criteria provided, single submitter. Criteria: Ambry Variant Classification Scheme 2023. Collection method: clinical testing. Allele origin: germline.